The following is an entry in ClinVar:

ClinVar aggregate classification (germline): Uncertain significance (1 of 4 stars; one submission).

Conditions:
Inborn genetic diseases. Identifiers: MedGen C0950123, MeSH D030342.

Submission:

Ambry Genetics
Classification: Uncertain significance for Inborn genetic diseases. Last evaluated: 2025-02-27. Review status: criteria provided, single submitter. Criteria: Ambry Variant Classification Scheme 2023. Collection method: clinical testing. Allele origin: germline.
Comment: The p.S765P variant (also known as c.2293T>C), located in coding exon 12 of the BMPR2 gene, results from a T to C substitution at nucleotide position 2293. The serine at codon 765 is replaced by proline, an amino acid with similar properties. This amino acid position is conserved. In addition, the in silico prediction for this alteration is inconclusive. Based on the available evidence, the clinical significance of this variant remains unclear.

NM_001204.7(BMPR2):c.2293T>C (p.Ser765Pro)

Gene: BMPR2 (bone morphogenetic protein receptor type 2; plus strand). Cytogenetic location: 2q33.2.
Variant type: single nucleotide variant.
Coding change: c.2293T>C on transcript NM_001204.7 (MANE Select); coding-DNA position 2293, T replaced by C.
Protein change: p.Ser765Pro; replaces serine 765 with proline.
Molecular consequence: missense variant.
Genome position (GRCh38, 1-based): chr2:202,555,958, T>C. VCF-style: chr2-202555958-T-C. GRCh37 (hg19) VCF-style: chr2-203420681-T-C.
Other names: short protein forms S765P.
Identifiers: ClinVar variation 3824932 (VCV003824932.1).